The following is an entry in ClinVar:

ClinVar aggregate classification (germline): Uncertain significance. Review status: criteria provided, multiple submitters, no conflicts (2 of 4 stars). 2 submissions from 2 submitters: Uncertain significance (2). Last evaluated 2024-03-21.

Submissions (2):

GeneDx
Classification: Uncertain significance. Last evaluated: 2024-03-21. Review status: criteria provided, single submitter. Criteria: GeneDx Variant Classification Process June 2021. Collection method: clinical testing. Allele origin: germline. Affected: yes.
Comment: Not observed at significant frequency in large population cohorts (gnomAD); Missense variants in this gene are a common cause of disease and they are underrepresented in the general population; In silico analysis supports that this missense variant has a deleterious effect on protein structure/function; Has not been previously published as pathogenic or benign to our knowledge

Blueprint Genetics
Classification: Uncertain significance. Last evaluated: 2022-02-02. Review status: criteria provided, single submitter. Criteria: ACMG Guidelines, 2015. Collection method: clinical testing. Allele origin: germline.

NM_001614.5(ACTG1):c.871A>G (p.Lys291Glu)

Gene: ACTG1 (actin gamma 1; minus strand). Cytogenetic location: 17q25.3.
Variant type: single nucleotide variant.
Coding change: c.871A>G on transcript NM_001614.5 (MANE Select); coding-DNA position 871, A replaced by G.
Protein change: p.Lys291Glu; replaces lysine 291 with glutamic acid.
Molecular consequence: missense variant. On other transcripts: non-coding transcript variant (1).
Genome position (GRCh38, 1-based): chr17:81,511,040, T>C on the plus strand (A>G on the coding strand, the complement: ACTG1 is on the minus strand). VCF-style: chr17-81511040-T-C. GRCh37 (hg19) VCF-style: chr17-79478066-T-C.
Other names: c.871A>G, p.Lys291Glu (NM_001199954.3); short protein forms K291E.
Identifiers: ClinVar variation 3370628 (VCV003370628.2).